The following is an entry in ClinVar:

NM_005359.6(SMAD4):c.920A>T (p.Glu307Val)

Gene: SMAD4 (SMAD family member 4; plus strand). Cytogenetic location: 18q21.2.
Variant type: single nucleotide variant.
Coding change: c.920A>T on transcript NM_005359.6 (MANE Select); coding-DNA position 920, A replaced by T.
Protein change: p.Glu307Val; replaces glutamic acid 307 with valine.
Molecular consequence: missense variant. On other transcripts: non-coding transcript variant (2).
Genome position (GRCh38, 1-based): chr18:51,059,881, A>T. VCF-style: chr18-51059881-A-T. GRCh37 (hg19) VCF-style: chr18-48586251-A-T.
Other names: c.920A>T, p.Glu307Val (NM_001407041.1, NM_001407042.1, NM_001407043.1); short protein forms E307V.
Identifiers: ClinVar variation 3238436 (VCV003238436.2), dbSNP rs2144433284.

ClinVar aggregate classification (germline): Uncertain significance (1 of 4 stars; one submission).

Conditions:
Familial thoracic aortic aneurysm and aortic dissection (TAAD). Also called: Thoracic aortic aneurysms and dissections. Identifiers: Orphanet 91387, MedGen C4707243, MONDO:0019625.
Hereditary cancer-predisposing syndrome. Also called: Neoplastic Syndromes, Hereditary; Tumor predisposition; Hereditary Cancer Syndrome; Hereditary neoplastic syndrome. Identifiers: Orphanet 140162, MedGen C0027672, MeSH D009386, MONDO:0015356.

Submission:

Ambry Genetics
Classification: Uncertain significance for Hereditary cancer-predisposing syndrome; Familial thoracic aortic aneurysm and aortic dissection. Last evaluated: 2026-08-03. Review status: criteria provided, single submitter. Criteria: Ambry Variant Classification Scheme 2023. Collection method: clinical testing. Allele origin: germline.
Comment: The p.E307V variant (also known as c.920A>T), located in coding exon 7 of the SMAD4 gene, results from an A to T substitution at nucleotide position 920. The glutamic acid at codon 307 is replaced by valine, an amino acid with dissimilar properties. This amino acid position is highly conserved in available vertebrate species. In addition, this alteration is predicted to be deleterious by in silico analysis. Based on the available evidence, the clinical significance of this variant remains unclear.